The following is an entry in ClinVar:

NM_007375.4(TARDBP):c.859G>A (p.Gly287Ser)

Gene: TARDBP (TAR DNA binding protein; plus strand). Cytogenetic location: 1p36.22.
Variant type: single nucleotide variant.
Coding change: c.859G>A on transcript NM_007375.4 (MANE Select); coding-DNA position 859, G replaced by A.
Protein change: p.Gly287Ser; replaces glycine 287 with serine.
Molecular consequence: missense variant.
Genome position (GRCh38, 1-based): chr1:11,022,268, G>A. VCF-style: chr1-11022268-G-A. GRCh37 (hg19) VCF-style: chr1-11082325-G-A.
Other names: NM_007375.3(TARDBP):c.859G>A(p.Gly287Ser).
Identifiers: ClinVar variation 21483 (VCV000021483.14), dbSNP rs80356719, ClinGen allele CA586459.

ClinVar aggregate classification (germline): Pathogenic/Likely pathogenic. Review status: criteria provided, multiple submitters, no conflicts (2 of 4 stars). 7 submissions from 7 submitters: Pathogenic (3); Likely pathogenic (3). 1 of the submissions does not count toward it. Last evaluated 2026-06-26.

Conditions:
TARDBP-related disorder. Also called: TARDBP-related condition.
Motor neuron disease. Also called: Degenerative motor system disease; Motor neuron disorder. Identifiers: Orphanet 98503, MedGen C0085084, MONDO:0020128.
Amyotrophic lateral sclerosis type 10 (ALS10). Also called: TARDBP-Related Amyotrophic Lateral Sclerosis-Frontotemporal Dementia; AMYOTROPHIC LATERAL SCLEROSIS 10 WITHOUT FRONTOTEMPORAL DEMENTIA AND WITH TDP43 INCLUSIONS; AMYOTROPHIC LATERAL SCLEROSIS 10 WITH OR WITHOUT FRONTOTEMPORAL DEMENTIA AND WITH TDP43 INCLUSIONS; Amyotrophic lateral sclerosis 10, with or without FTD; AMYOTROPHIC LATERAL SCLEROSIS 10 WITH OR WITHOUT FRONTOTEMPORAL DEMENTIA. Identifiers: Orphanet 275872, Orphanet 803, MedGen C2677565, MONDO:0012790, OMIM 612069.
FRONTOTEMPORAL LOBAR DEGENERATION WITH TDP43 INCLUSIONS, TARDBP-RELATED. Also called: Frontotemporal lobar degeneration, TARDBP-related. Identifiers: MedGen C3150169, OMIM 612069.

Allele frequency attached by ClinVar (database versions not stated): TOPMed 0.00001; gnomAD exomes 0.00002 and 0.00004; ExAC 0.00001; gnomAD 0.00001.
gnomAD v4.1: 54 of 1,613,822 alleles (0.0033%); highest among the groups gnomAD compares: Non-Finnish European, 0.0043%; no homozygotes.

Submissions (7):

PreventionGenetics, part of Exact Sciences
Classification: Pathogenic for TARDBP-related condition. Last evaluated: 2026-06-26. Review status: criteria provided, single submitter. Criteria: ACMG Guidelines, 2015. Collection method: clinical testing. Allele origin: germline.
Comment: The TARDBP c.859G>A variant is predicted to result in the amino acid substitution p.Gly287Ser. This variant was reported in multiple individuals with amyotrophic lateral sclerosis (Kabashi et al. 2008. PubMed ID: 18372902; Table S4, Black et al. 2017. PubMed ID: 28089114; Morgan et al. 2017. PubMed ID: 28430856; McCann et al. 2020. PubMed ID: 32409511; Ruf et al. 2023. PubMed ID: 37223130). Functional studies suggested that this variant leads to subcellular mislocalization, accumulation of insoluble mutant TARDBP protein, and axonal transport defects (Vanden Broeck et al. 2015. PubMed ID: 25442115; Figure S5, Fazal et al. 2021. PubMed ID: 33694180). This variant is reported in 0.0035% of alleles in individuals of European (non-Finnish) descent in gnomAD. It is located within the known mutational hotspot of TARDBP and has been classified as likely pathogenic/pathogenic in ClinVar (ClinVar ID: 21483). This variant is interpreted as pathogenic.

Labcorp Genetics (formerly Invitae), Labcorp
Classification: Pathogenic for Amyotrophic lateral sclerosis type 10; FRONTOTEMPORAL LOBAR DEGENERATION WITH TDP43 INCLUSIONS, TARDBP-RELATED. Last evaluated: 2025-10-13. Review status: criteria provided, single submitter. Criteria: Invitae Variant Classification Sherloc (09022015). Collection method: clinical testing. Allele origin: germline.
Comment: This sequence change replaces glycine, which is neutral and non-polar, with serine, which is neutral and polar, at codon 287 of the TARDBP protein (p.Gly287Ser). This variant is present in population databases (rs80356719, gnomAD 0.004%). This missense change has been observed in individuals with clinical features of amyotrophic lateral sclerosis (PMID: 18372902, 19224587, 19760257, 23881933, 28089114, 28430856, 37223130; internal data). ClinVar contains an entry for this variant (Variation ID: 21483). Invitae Evidence Modeling of protein sequence and biophysical properties (such as structural, functional, and spatial information, amino acid conservation, physicochemical variation, residue mobility, and thermodynamic stability) indicates that this missense variant is not expected to disrupt TARDBP protein function with a negative predictive value of 80%. Experimental studies have shown that this missense change affects TARDBP function (PMID: 25442115, 37046025). Algorithms developed to predict the effect of sequence changes on RNA splicing suggest that this variant may create or strengthen a splice site. For these reasons, this variant has been classified as Pathogenic.

Human Genetics Bochum, Ruhr University Bochum
Classification: Likely pathogenic for Amyotrophic lateral sclerosis type 10. Last evaluated: 2022-08-29. Review status: criteria provided, single submitter. Criteria: ACMG Guidelines, 2015. Collection method: clinical testing. Allele origin: germline. Affected: yes.
Comment: ACMG criteria used to clasify this variant: PS3, PM2, PS4, PP2, PM1

GeneDx
Classification: Likely pathogenic. Last evaluated: 2021-06-01. Review status: criteria provided, single submitter. Criteria: GeneDx Variant Classification Process June 2021. Collection method: clinical testing. Allele origin: germline. Affected: yes.
Comment: Previously reported in individuals with ALS; however segregation data were not available (Kabashi et al., 2008; Corrado et al., 2009; Kirby et al., 2010; Kenna et al., 2013); Published functional studies demonstrate that G287S leads to cytoplasmic mislocalization and accumulation of insoluble TDP-43 and phopho-TDP-43 (Fazal et al., 2021); Not observed at a significant frequency in large population cohorts (Lek et al., 2016); This variant is associated with the following publications: (PMID: 28089114, 28430856, 19224587, 19760257, 23881933, 20806063, 31325016, 32409511, 26883171, 29379112, 19515851, 25442115, 18372902, 29653316, 20301761, 27535533, 33694180)

SIB Swiss Institute of Bioinformatics
Classification: Likely pathogenic for Amyotrophic lateral sclerosis type 10. Last evaluated: 2018-05-31. Review status: criteria provided, single submitter. Criteria: ACMG Guidelines, 2015. Collection method: curation. Allele origin: unknown.
Comment: This variant is interpreted as a Likely Pathogenic, for Amyotrophic lateral sclerosis 10, in Autosomal Dominant manner. The following ACMG Tag(s) were applied: PM2 => Absent from controls (or at extremely low frequency if recessive) in Exome Sequencing Project, 1000 Genomes Project, or Exome Aggregation Consortium. PS4-Moderate => Variant is observed in multiple unrelated patients. (PMID:19224587,18372902,19760257). PS3-Moderate => Functional studies shows a deleterious effect (PMID:19760257) (PMID:25442115) (PMID:19760257).

Centre for Genomic and Experimental Medicine, University of Edinburgh
Classification: Pathogenic for Motor neuron disease. Last evaluated: 2016-08-31. Review status: criteria provided, single submitter. Criteria: Submitter's publication. Collection method: case-control. Allele origin: unknown. Affected: yes. Observed: 3 heterozygotes.

GeneReviews
No classification provided. Condition: Amyotrophic lateral sclerosis type 10. Review status: no classification provided. Collection method: literature only. Allele origin: germline. Affected: yes. Not counted in ClinVar's aggregate classification.

Literature cited by the submitters: PubMed 18372902 (cited by Labcorp Genetics (formerly Invitae), Labcorp and SIB Swiss Institute of Bioinformatics); PubMed 19224587 (cited by Labcorp Genetics (formerly Invitae), Labcorp and SIB Swiss Institute of Bioinformatics); PubMed 19760257 (cited by Labcorp Genetics (formerly Invitae), Labcorp and SIB Swiss Institute of Bioinformatics); PubMed 23881933 (cited by Labcorp Genetics (formerly Invitae), Labcorp); PubMed 28089114 (cited by Labcorp Genetics (formerly Invitae), Labcorp and Centre for Genomic and Experimental Medicine, University of Edinburgh); PubMed 28430856 (cited by Labcorp Genetics (formerly Invitae), Labcorp); PubMed 37223130 (cited by Labcorp Genetics (formerly Invitae), Labcorp); PubMed 25442115 (cited by Labcorp Genetics (formerly Invitae), Labcorp and SIB Swiss Institute of Bioinformatics); PubMed 37046025 (cited by Labcorp Genetics (formerly Invitae), Labcorp); NCBI Bookshelf NBK5942 (cited by GeneReviews).